The following is an entry in ClinVar:

ClinVar aggregate classification (germline): Uncertain significance (1 of 4 stars; one submission).

Allele frequency attached by ClinVar (database versions not stated): ExAC 0.00001; TOPMed 0.00001; gnomAD exomes 0.00002.
gnomAD v4.1: 32 of 1,614,132 alleles (0.002%); highest among the groups gnomAD compares: Non-Finnish European, 0.0025%; no homozygotes.

Submission:

GeneDx
Classification: Uncertain significance. Last evaluated: 2022-05-23. Review status: criteria provided, single submitter. Criteria: GeneDx Variant Classification Process June 2021. Collection method: clinical testing. Allele origin: germline. Affected: yes.
Comment: Not observed at significant frequency in large population cohorts (gnomAD); In silico analysis supports that this missense variant does not alter protein structure/function; Has not been previously published as pathogenic or benign to our knowledge

NM_032409.3(PINK1):c.472A>G (p.Ile158Val)

Gene: PINK1 (PTEN induced kinase 1; plus strand). Cytogenetic location: 1p36.12.
Variant type: single nucleotide variant.
Coding change: c.472A>G on transcript NM_032409.3 (MANE Select); coding-DNA position 472, A replaced by G.
Protein change: p.Ile158Val; replaces isoleucine 158 with valine.
Molecular consequence: missense variant.
Genome position (GRCh38, 1-based): chr1:20,637,926, A>G. VCF-style: chr1-20637926-A-G. GRCh37 (hg19) VCF-style: chr1-20964419-A-G.
Other names: short protein forms I158V.
Identifiers: ClinVar variation 1801048 (VCV001801048.1), dbSNP rs753196052, ClinGen allele CA660436.